The following is an entry in ClinVar:

NM_025081.3(NYNRIN):c.1579G>A (p.Gly527Arg)

Gene: NYNRIN (NYN domain and retroviral integrase containing; plus strand). Cytogenetic location: 14q12.
Variant type: single nucleotide variant.
Coding change: c.1579G>A on transcript NM_025081.3 (MANE Select); coding-DNA position 1579, G replaced by A.
Protein change: p.Gly527Arg; replaces glycine 527 with arginine.
Molecular consequence: missense variant.
Genome position (GRCh38, 1-based): chr14:24,409,373, G>A. VCF-style: chr14-24409373-G-A. GRCh37 (hg19) VCF-style: chr14-24878579-G-A.
Other names: short protein forms G527R.
Identifiers: ClinVar variation 3664803 (VCV003664803.2).

ClinVar aggregate classification (germline): Uncertain significance (1 of 4 stars; one submission).

gnomAD v4.1: 9 of 1,614,042 alleles (0.00056%); highest among the groups gnomAD compares: East Asian, 0.018%; no homozygotes.

Submission:

Labcorp Genetics (formerly Invitae), Labcorp
Classification: Uncertain significance. Last evaluated: 2024-03-13. Review status: criteria provided, single submitter. Criteria: Invitae Variant Classification Sherloc (09022015). Collection method: clinical testing. Allele origin: germline.
Comment: This sequence change replaces glycine, which is neutral and non-polar, with arginine, which is basic and polar, at codon 527 of the NYNRIN protein (p.Gly527Arg). This variant is present in population databases (no rsID available, gnomAD 0.006%). This variant has not been reported in the literature in individuals affected with NYNRIN-related conditions. Experimental studies and prediction algorithms are not available or were not evaluated, and the functional significance of this variant is currently unknown. In summary, the available evidence is currently insufficient to determine the role of this variant in disease. Therefore, it has been classified as a Variant of Uncertain Significance.